The following is an entry in ClinVar:

NM_001146.5(ANGPT1):c.342G>C (p.Gln114His)

Gene: ANGPT1 (angiopoietin 1; minus strand). Cytogenetic location: 8q23.1.
Variant type: single nucleotide variant.
Coding change: c.342G>C on transcript NM_001146.5 (MANE Select); coding-DNA position 342, G replaced by C.
Protein change: p.Gln114His; replaces glutamine 114 with histidine.
Molecular consequence: missense variant.
Genome position (GRCh38, 1-based): chr8:107,347,053, C>G on the plus strand (G>C on the coding strand, the complement: ANGPT1 is on the minus strand). VCF-style: chr8-107347053-C-G. GRCh37 (hg19) VCF-style: chr8-108359281-C-G.
Other names: c.342G>C, p.Gln114His (NM_001199859.3); short protein forms Q114H.
Identifiers: ClinVar variation 1519082 (VCV001519082.6), dbSNP rs200040737, ClinGen allele CA4841386.
Genomic context (GRCh38, chr8:107,347,053, plus strand): 5'-GAGGCTGGTTCCTATCTCCAGCATGGTAGCCGTGTGGTTCTGAACTGCATTCTGCTGTAT[C>G]TGGGCCATCTCCGACTTCATGTTTTCCACAATGTAATTCTCAAGCTGCAAGAGATAAAGA-3'
Protein context (NP_001137.2, residues 104-124): IVENMKSEMA[Gln114His]IQQNAVQNHT

ClinVar aggregate classification (germline): Uncertain significance (1 of 4 stars; one submission).

Allele frequency attached by ClinVar (database versions not stated): ExAC 0.00002; gnomAD exomes 0.00002; 1000 Genomes Project 30x 0.00016; 1000 Genomes Project 0.00020.
gnomAD v4.1: 28 of 1,613,888 alleles (0.0017%); highest among the groups gnomAD compares: Non-Finnish European, 0.00034%; no homozygotes.

Submission:

Labcorp Genetics (formerly Invitae), Labcorp
Classification: Uncertain significance. Last evaluated: 2021-09-15. Review status: criteria provided, single submitter. Criteria: Invitae Variant Classification Sherloc (09022015). Collection method: clinical testing. Allele origin: germline.
Comment: This sequence change replaces glutamine with histidine at codon 114 of the ANGPT1 protein (p.Gln114His). The glutamine residue is highly conserved and there is a small physicochemical difference between glutamine and histidine. This variant is present in population databases (rs200040737, ExAC 0.02%). This variant has not been reported in the literature in individuals affected with ANGPT1-related conditions. Algorithms developed to predict the effect of missense changes on protein structure and function are either unavailable or do not agree on the potential impact of this missense change (SIFT: "Deleterious"; PolyPhen-2: "Benign"; Align-GVGD: "Class C15"). In summary, the available evidence is currently insufficient to determine the role of this variant in disease. Therefore, it has been classified as a Variant of Uncertain Significance.